The following is an entry in ClinVar:

NM_001352514.2(HLCS):c.1725_1726del (p.Glu576fs)

Gene: HLCS (holocarboxylase synthetase; minus strand). Cytogenetic location: 21q22.13.
Variant type: Deletion.
Coding change: c.1725_1726del on transcript NM_001352514.2 (MANE Select); coding-DNA positions 1725 to 1726, 2 bases deleted (TG; older notation c.1725_1726delTG).
Protein change: p.Glu576fs; shifts the reading frame from glutamic acid 576.
Molecular consequence: frameshift variant. On other transcripts: non-coding transcript variant (2).
Genome position (GRCh38, 1-based): chr21:36,897,026-36,897,027, CA deleted on the plus strand (TG on the coding strand, the reverse complement: HLCS is on the minus strand). VCF-style (leftmost placement, unchanged base first): chr21-36897025-TCA-T. GRCh37 (hg19) VCF-style: chr21-38269325-TCA-T.
Other names: c.1284_1285del, p.Glu429fs (NM_000411.8, NM_001242784.3, NM_001242785.2 and 4 more transcripts); short protein forms E429fs, E576fs.
Identifiers: ClinVar variation 5014714 (VCV005014714.1).

ClinVar aggregate classification (germline): Pathogenic (1 of 4 stars; one submission).

Conditions:
Holocarboxylase synthetase deficiency. Also called: MULTIPLE CARBOXYLASE DEFICIENCY, EARLY ONSET. Identifiers: Orphanet 79242, MedGen C0268581, MONDO:0009666, OMIM 253270.

Submission:

Myriad Genetics, Inc.
Classification: Pathogenic for Holocarboxylase synthetase deficiency. Last evaluated: 2025-07-14. Review status: criteria provided, single submitter. Criteria: Myriad Autosomal Dominant, Autosomal Recessive and X-Linked Classification Criteria (2023). Collection method: clinical testing. Allele origin: unknown.
Comment: NM_000411.6(HLCS):c.1284_1285delTG(E429Sfs*147) is expected to be pathogenic in the context of holocarboxylase synthetase deficiency. This variant is predicted to lead to an abnormal or absent protein product due to the creation of a premature termination codon in HLCS, a gene where loss-of-function variants are known to be pathogenic. Please note: this variant was assessed in the context of healthy population screening.